The following is an entry in ClinVar:

NM_001267550.2(TTN):c.25054G>C (p.Val8352Leu)

Gene: TTN (titin; minus strand). Cytogenetic location: 2q31.2.
Variant type: single nucleotide variant.
Coding change: c.25054G>C on transcript NM_001267550.2 (MANE Select); coding-DNA position 25054, G replaced by C.
Protein change: p.Val8352Leu; replaces valine 8352 with leucine.
Molecular consequence: missense variant. On other transcripts: intron variant (3).
Genome position (GRCh38, 1-based): chr2:178,717,952, C>G on the plus strand (G>C on the coding strand, the complement: TTN is on the minus strand). VCF-style: chr2-178717952-C-G. GRCh37 (hg19) VCF-style: chr2-179582679-C-G.
Other names: c.24103G>C, p.Val8035Leu (NM_001256850.1); c.21322G>C, p.Val7108Leu (NM_133378.4); c.13282+20130G>C (NM_003319.4); c.13858+20130G>C (NM_133437.4); c.13657+20130G>C (NM_133432.3); short protein forms V7108L, V8035L, V8352L.
Identifiers: ClinVar variation 4820364 (VCV004820364.2), dbSNP rs750897859.

ClinVar aggregate classification (germline): Likely benign. Review status: criteria provided, multiple submitters, no conflicts (2 of 4 stars). 2 submissions from 2 submitters: Likely benign (2). Last evaluated 2026-03-27.

gnomAD v4.1: 6 of 1,611,284 alleles (0.00037%); highest among the groups gnomAD compares: Non-Finnish European, 0.00051%; no homozygotes.

Submissions (2):

Molecular Diagnostic Laboratory for Inherited Cardiovascular Disease, Montreal Heart Institute
Classification: Likely benign. Last evaluated: 2026-03-27. Review status: criteria provided, single submitter. Criteria: ACMG Guidelines, 2015. Collection method: clinical testing. Allele origin: germline. Affected: no.
Comment: BP1

Blueprint Genetics
Classification: Likely benign. Last evaluated: 2023-09-16. Review status: criteria provided, single submitter. Criteria: ACMG Guidelines, 2015. Collection method: clinical testing. Allele origin: germline.